The following is an entry in ClinVar:

ClinVar aggregate classification (germline): Conflicting classifications of pathogenicity. Review status: criteria provided, conflicting classifications (1 of 4 stars). 6 submissions from 6 submitters: Pathogenic (1); Likely pathogenic (3); Uncertain significance (1). 1 of the submissions does not count toward it. Last evaluated 2026-08-19.

Conditions:
Usher syndrome type 2A. Also called: USHER SYNDROME, TYPE IIA; RETINAL DISEASE IN USHER SYNDROME TYPE IIA, MODIFIER OF. Identifiers: Orphanet 231178, Orphanet 886, MedGen C1848634, MONDO:0010169, OMIM 276901.
USH2A-related disorder. Also called: USH2A-related condition; USH2A-related disorders. Identifiers: MedGen CN239332.

gnomAD v4.1: 1 of 1,614,098 alleles (0.000062%); highest among the groups gnomAD compares: Admixed American, 0.0017%; no homozygotes.

Submissions (6):

PreventionGenetics, part of Exact Sciences
Classification: Uncertain significance for USH2A-related condition. Last evaluated: 2026-08-19. Review status: criteria provided, single submitter. Criteria: ACMG Guidelines, 2015. Collection method: clinical testing. Allele origin: germline.
Comment: The USH2A c.14288G>A variant is predicted to result in the amino acid substitution p.Gly4763Glu. This variant has been reported, along with a protein-truncating variant in the same gene, in an individual with retinitis pigmentosa (supplementary data, Wolf et al. 2023. PubMed ID: 37863056). An alternate amino acid change at this position (p.Gly4763Arg) has been reported in individuals with autosomal recessive Usher syndrome (Lenassi et al. 2015. PubMed ID: 25649381; Bonnet et al. 2016. PubMed ID: 27460420). This variant has not been reported in a large population database (gnomAD), indicating this variant is rare. Although we suspect that c.14288G>A (p.Gly4763Glu) may be pathogenic, the clinical significance of this variant is currently classified as uncertain due to the absence of conclusive functional and genetic evidence.

Labcorp Genetics (formerly Invitae), Labcorp
Classification: Pathogenic. Last evaluated: 2025-10-08. Review status: criteria provided, single submitter. Criteria: Invitae Variant Classification Sherloc (09022015). Collection method: clinical testing. Allele origin: germline.
Comment: This sequence change replaces glycine, which is neutral and non-polar, with glutamic acid, which is acidic and polar, at codon 4763 of the USH2A protein (p.Gly4763Glu). This variant is not present in population databases (gnomAD no frequency). This missense change has been observed in individual(s) with Usher syndrome (internal data). ClinVar contains an entry for this variant (Variation ID: 1047575). Invitae Evidence Modeling of protein sequence and biophysical properties (such as structural, functional, and spatial information, amino acid conservation, physicochemical variation, residue mobility, and thermodynamic stability) indicates that this missense variant is expected to disrupt USH2A protein function with a positive predictive value of 95%. This variant disrupts the p.Gly4763 amino acid residue in USH2A. Other variant(s) that disrupt this residue have been determined to be pathogenic (PMID: 25649381, 27460420). This suggests that this residue is clinically significant, and that variants that disrupt this residue are likely to be disease-causing. For these reasons, this variant has been classified as Pathogenic.

GeneDx
Classification: Likely pathogenic. Last evaluated: 2025-03-01. Review status: criteria provided, single submitter. Criteria: GeneDx Variant Classification Process June 2021. Collection method: clinical testing. Allele origin: germline. Affected: yes.
Comment: Observed with two other USH2A variants in an unknown phase in a patient with Usher syndrome in published literature (PMID: 27208204); In silico analysis supports that this missense variant has a deleterious effect on protein structure/function; Not observed at significant frequency in large population cohorts (gnomAD); This variant is associated with the following publications: (PMID: 27208204)

3billion
Classification: Likely pathogenic for Usher syndrome type 2A. Last evaluated: 2023-06-19. Review status: criteria provided, single submitter. Criteria: ACMG Guidelines, 2015. Collection method: clinical testing. Allele origin: germline. Affected: yes.
Comment: The variant is not observed in the gnomAD v2.1.1 dataset. Predicted Consequence/Location: Protein truncation variants are a common disease-causing mechanism. The Same nucleotide change resulting in the same amino acid change has been previously reported as pathogenic/likely pathogenic with strong evidence (ClinVar ID: VCV001047575 /PMID: 25649381). A different missense change at the same codon (p.Gly4763Arg) has been reported as pathogenic/likely pathogenic with strong evidence (ClinVar ID: VCV000048433, VCV001457114 /PMID: 20507924, 25133613 /3billion dataset). Therefore, this variant is classified as Likely pathogenic according to the recommendation of ACMG/AMP guideline.

Blueprint Genetics
Classification: Likely pathogenic for USH2A-related disorders. Last evaluated: 2021-06-02. Review status: criteria provided, single submitter. Criteria: ACMG Guidelines, 2015. Collection method: clinical testing. Allele origin: germline. Affected: yes. Observed: 2 variant alleles.

Natera, Inc.
Classification: Likely pathogenic for Usher syndrome type 2A. Last evaluated: 2026-06-27. Review status: no assertion criteria provided. Collection method: clinical testing. Allele origin: germline. Not counted in ClinVar's aggregate classification.
Comment: The c.14288G>A variant in USH2A is a missense variant predicted to cause substitution of glycine to glutamic acid at amino acid 4763. This variant is rare in the general population with a frequency below the threshold expected for the associated phenotype(s). This variant has been observed in one or more individuals affected with the associated recessive disease, as either homozygous or compound heterozygous with a second variant (PMID: 27208204). A different variant at the same position has been determined to be Pathogenic or Likely Pathogenic. Computational prediction algorithms indicate this variant is likely to affect gene or protein function. Given the available evidence, this variant is classified as Likely Pathogenic.

Literature cited by the submitters: PubMed 25649381 (cited by Labcorp Genetics (formerly Invitae), Labcorp and 3billion); PubMed 27460420 (cited by Labcorp Genetics (formerly Invitae), Labcorp); PubMed 20507924 (cited by 3billion); PubMed 27208204 (cited by Natera, Inc.).

NM_206933.4(USH2A):c.14288G>A (p.Gly4763Glu)

Gene: USH2A (usherin; minus strand). Cytogenetic location: 1q41.
Variant type: single nucleotide variant.
Coding change: c.14288G>A on transcript NM_206933.4 (MANE Select); coding-DNA position 14288, G replaced by A.
Protein change: p.Gly4763Glu; replaces glycine 4763 with glutamic acid.
Molecular consequence: missense variant.
Genome position (GRCh38, 1-based): chr1:215,650,647, C>T on the plus strand (G>A on the coding strand, the complement: USH2A is on the minus strand). VCF-style: chr1-215650647-C-T. GRCh37 (hg19) VCF-style: chr1-215823989-C-T.
Other names: c.14288G>A (NM_206933.2); short protein forms G4763E.
Identifiers: ClinVar variation 1047575 (VCV001047575.14), dbSNP rs781195579, ClinGen allele CA344835140.